The following is an entry in ClinVar:

NM_205834.4(LSR):c.1144+1G>T

Gene: LSR (lipolysis stimulated lipoprotein receptor; plus strand). Cytogenetic location: 19q13.12.
Variant type: single nucleotide variant.
Coding change: c.1144+1G>T on transcript NM_205834.4 (MANE Select); the canonical splice donor site of the intron after coding-DNA position 1144, G replaced by T.
Molecular consequence: splice donor variant.
Genome position (GRCh38, 1-based): chr19:35,266,968, G>T. VCF-style: chr19-35266968-G-T. GRCh37 (hg19) VCF-style: chr19-35757871-G-T.
Other names: c.1087+1G>T (NM_015925.7); c.1084+1G>T (NM_001260489.2); c.940+1G>T (NM_205835.4); c.937+1G>T (NM_001385215.1); c.820+1G>T (NM_001260490.2).
Identifiers: ClinVar variation 4855964 (VCV004855964.1).

ClinVar aggregate classification (germline): Uncertain significance (1 of 4 stars; one submission).

Conditions:
LSR-related disorder.

Submission:

3billion
Classification: Uncertain significance for LSR-related disorder. Last evaluated: 2025-12-05. Review status: criteria provided, single submitter. Criteria: ACMG Guidelines, 2015. Collection method: clinical testing. Allele origin: germline. Affected: yes.
Comment: The variant is not observed in the gnomAD v4.1.0 dataset. Predicted Consequence/Location: Canonical splice site variant In silico tools predict the variant to alter splicing and produce an abnormal transcript [SpliceAI: 1.00 (spliceogenicity >=0.2, non-spliceogenicity <0.1)]. Therefore, this variant is classified as VUS according to the recommendation of ACMG/AMP guideline.